The following is an entry in ClinVar:

ClinVar aggregate classification (germline): Uncertain significance (1 of 4 stars; one submission).

Conditions:
Progressive microcephaly-seizures-cortical blindness-developmental delay syndrome. Also called: Seizures, cortical blindness, and microcephaly syndrome. Identifiers: Orphanet 477814, MedGen C5567650, MONDO:0014714, OMIM 616632.
Autosomal dominant nonsyndromic hearing loss 1. Also called: KONIGSMARK SYNDROME; DEAFNESS, AUTOSOMAL DOMINANT 1, WITH OR WITHOUT THROMBOCYTOPENIA. Identifiers: Orphanet 90635, MedGen C1852282, MONDO:0007424, OMIM 124900.

Allele frequency attached by ClinVar (database versions not stated): gnomAD 0.00001; TOPMed 0.00001.
gnomAD v4.1: 4 of 1,613,796 alleles (0.00025%); highest among the groups gnomAD compares: African/African-American, 0.0027%; no homozygotes.

Submission:

Labcorp Genetics (formerly Invitae), Labcorp
Classification: Uncertain significance for Progressive microcephaly-seizures-cortical blindness-developmental delay syndrome; Autosomal dominant nonsyndromic hearing loss 1. Last evaluated: 2025-12-29. Review status: criteria provided, single submitter. Criteria: Invitae Variant Classification Sherloc (09022015). Collection method: clinical testing. Allele origin: germline.
Comment: This sequence change replaces isoleucine, which is neutral and non-polar, with valine, which is neutral and non-polar, at codon 334 of the DIAPH1 protein (p.Ile334Val). This variant is present in population databases (no rsID available, gnomAD 0.01%). This variant has not been reported in the literature in individuals affected with DIAPH1-related conditions. ClinVar contains an entry for this variant (Variation ID: 1477012). Experimental studies and prediction algorithms are not available or were not evaluated, and the functional significance of this variant is currently unknown. In summary, the available evidence is currently insufficient to determine the role of this variant in disease. Therefore, it has been classified as a Variant of Uncertain Significance.

NM_005219.5(DIAPH1):c.1000A>G (p.Ile334Val)

Gene: DIAPH1 (diaphanous related formin 1; minus strand). Cytogenetic location: 5q31.3.
Variant type: single nucleotide variant.
Coding change: c.1000A>G on transcript NM_005219.5 (MANE Select); coding-DNA position 1000, A replaced by G.
Protein change: p.Ile334Val; replaces isoleucine 334 with valine.
Molecular consequence: missense variant.
Genome position (GRCh38, 1-based): chr5:141,578,559, T>C on the plus strand (A>G on the coding strand, the complement: DIAPH1 is on the minus strand). VCF-style: chr5-141578559-T-C. GRCh37 (hg19) VCF-style: chr5-140958126-T-C.
Other names: c.973A>G, p.Ile325Val (NM_001079812.3); c.1000A>G, p.Ile334Val (NM_001314007.2); short protein forms I325V, I334V.
Identifiers: ClinVar variation 1477012 (VCV001477012.8), dbSNP rs1374331735, ClinGen allele CA361532438.